The following is an entry in ClinVar:

NM_015557.3(CHD5):c.5807C>T (p.Pro1936Leu)

Gene: CHD5 (chromodomain helicase DNA binding protein 5; minus strand). Cytogenetic location: 1p36.31.
Variant type: single nucleotide variant.
Coding change: c.5807C>T on transcript NM_015557.3 (MANE Select); coding-DNA position 5807, C replaced by T.
Protein change: p.Pro1936Leu; replaces proline 1936 with leucine.
Molecular consequence: missense variant.
Genome position (GRCh38, 1-based): chr1:6,106,445, G>A on the plus strand (C>T on the coding strand, the complement: CHD5 is on the minus strand). VCF-style: chr1-6106445-G-A. GRCh37 (hg19) VCF-style: chr1-6166505-G-A.
Other names: short protein forms P1936L.
Identifiers: ClinVar variation 2394182 (VCV002394182.5), dbSNP rs764604388, ClinGen allele CA555662.

ClinVar aggregate classification (germline): Uncertain significance. Review status: criteria provided, multiple submitters, no conflicts (2 of 4 stars). 2 submissions from 2 submitters: Uncertain significance (2). Last evaluated 2026-05-01.

Conditions:
Inborn genetic diseases. Identifiers: MedGen C0950123, MeSH D030342.

Allele frequency attached by ClinVar (database versions not stated): gnomAD 0.00001; gnomAD exomes 0.00001; TOPMed 0.00002.
gnomAD v4.1: 12 of 1,572,390 alleles (0.00076%); highest among the groups gnomAD compares: Admixed American, 0.0019%; no homozygotes.

Submissions (2):

CeGaT Center for Human Genetics Tuebingen
Classification: Uncertain significance. Last evaluated: 2026-05-01. Review status: criteria provided, single submitter. Criteria: CeGaT Center For Human Genetics Tuebingen Variant Classification Criteria Version 2. Collection method: clinical testing. Allele origin: germline. Affected: yes. Observed: 1 variant allele.
Comment: CHD5: PM2

Ambry Genetics
Classification: Uncertain significance for Inborn genetic diseases. Last evaluated: 2025-09-04. Review status: criteria provided, single submitter. Criteria: Ambry Variant Classification Scheme 2023. Collection method: clinical testing. Allele origin: germline.